The following is an entry in ClinVar:

ClinVar aggregate classification (germline): Uncertain significance. Review status: criteria provided, multiple submitters, no conflicts (2 of 4 stars). 2 submissions from 2 submitters: Uncertain significance (2). Last evaluated 2021-06-18.

Conditions:
Hereditary cancer-predisposing syndrome. Also called: Tumor predisposition; Hereditary neoplastic syndrome; Neoplastic Syndromes, Hereditary; Hereditary Cancer Syndrome. Identifiers: Orphanet 140162, MedGen C0027672, MeSH D009386, MONDO:0015356.

Allele frequency attached by ClinVar (database versions not stated): ExAC 0.00001.
gnomAD v4.1: 1 of 1,614,066 alleles (0.000062%); highest among the groups gnomAD compares: South Asian, 0.0011%; no homozygotes.

Submissions (2):

Ambry Genetics
Classification: Uncertain significance for Hereditary cancer-predisposing syndrome. Last evaluated: 2021-06-18. Review status: criteria provided, single submitter. Criteria: Ambry Variant Classification Scheme 2023. Collection method: clinical testing. Allele origin: germline.
Comment: The p.A927G variant (also known as c.2780C>G), located in coding exon 20 of the MSH3 gene, results from a C to G substitution at nucleotide position 2780. The alanine at codon 927 is replaced by glycine, an amino acid with similar properties. This amino acid position is conserved. In addition, the in silico prediction for this alteration is inconclusive. Since supporting evidence is limited at this time, the clinical significance of this alteration remains unclear.

Labcorp Genetics (formerly Invitae), Labcorp
Classification: Uncertain significance. Last evaluated: 2020-07-30. Review status: criteria provided, single submitter. Criteria: Invitae Variant Classification Sherloc (09022015). Collection method: clinical testing. Allele origin: germline.
Comment: In summary, the available evidence is currently insufficient to determine the role of this variant in disease. Therefore, it has been classified as a Variant of Uncertain Significance. Algorithms developed to predict the effect of missense changes on protein structure and function are either unavailable or do not agree on the potential impact of this missense change (SIFT: "Deleterious"; PolyPhen-2: "Probably Damaging"; Align-GVGD: "Class C0"). This variant has not been reported in the literature in individuals with MSH3-related conditions. This variant is present in population databases (rs766261257, ExAC 0.006%). This sequence change replaces alanine with glycine at codon 927 of the MSH3 protein (p.Ala927Gly). The alanine residue is moderately conserved and there is a small physicochemical difference between alanine and glycine.

NM_002439.5(MSH3):c.2780C>G (p.Ala927Gly)

Gene: MSH3 (mutS homolog 3; plus strand). Cytogenetic location: 5q14.1.
Variant type: single nucleotide variant.
Coding change: c.2780C>G on transcript NM_002439.5 (MANE Select); coding-DNA position 2780, C replaced by G.
Protein change: p.Ala927Gly; replaces alanine 927 with glycine.
Molecular consequence: missense variant.
Genome position (GRCh38, 1-based): chr5:80,813,708, C>G. VCF-style: chr5-80813708-C-G. GRCh37 (hg19) VCF-style: chr5-80109527-C-G.
Other names: short protein forms A927G.
Identifiers: ClinVar variation 859511 (VCV000859511.12), dbSNP rs766261257, ClinGen allele CA3328355.
Genomic context (GRCh38, chr5:80,813,708, plus strand): 5'-AACAAGTTGCATTGATTACCATCATGGCTCAGATTGGCTCCTATGTTCCTGCAGAAGAAG[C>G]GACAATTGGGATTGTGGATGGCATTTTCACAAGGTAAGTACGTTAATTCAGCTTGCATAT-3'
Protein context (NP_002430.3, residues 917-937): QIGSYVPAEE[Ala927Gly]TIGIVDGIFT